The following is an entry in ClinVar:

ClinVar aggregate classification (germline): Uncertain significance (1 of 4 stars; one submission).

Allele frequency attached by ClinVar (database versions not stated): gnomAD exomes 0.00001.
gnomAD v4.1: 3 of 1,613,716 alleles (0.00019%); highest among the groups gnomAD compares: Non-Finnish European, 0.00025%; no homozygotes.

Submission:

Labcorp Genetics (formerly Invitae), Labcorp
Classification: Uncertain significance. Last evaluated: 2022-05-12. Review status: criteria provided, single submitter. Criteria: Invitae Variant Classification Sherloc (09022015). Collection method: clinical testing. Allele origin: germline.
Comment: In summary, the available evidence is currently insufficient to determine the role of this variant in disease. Therefore, it has been classified as a Variant of Uncertain Significance. This sequence change replaces arginine, which is basic and polar, with glutamine, which is neutral and polar, at codon 271 of the RASGRP1 protein (p.Arg271Gln). This variant is not present in population databases (gnomAD no frequency). This variant has not been reported in the literature in individuals affected with RASGRP1-related conditions. Algorithms developed to predict the effect of missense changes on protein structure and function (SIFT, PolyPhen-2, Align-GVGD) all suggest that this variant is likely to be disruptive.

NM_005739.4(RASGRP1):c.812G>A (p.Arg271Gln)

Gene: RASGRP1 (RAS guanyl releasing protein 1; minus strand). Cytogenetic location: 15q14.
Variant type: single nucleotide variant.
Coding change: c.812G>A on transcript NM_005739.4 (MANE Select); coding-DNA position 812, G replaced by A.
Protein change: p.Arg271Gln; replaces arginine 271 with glutamine.
Molecular consequence: missense variant.
Genome position (GRCh38, 1-based): chr15:38,512,820, C>T on the plus strand (G>A on the coding strand, the complement: RASGRP1 is on the minus strand). VCF-style: chr15-38512820-C-T. GRCh37 (hg19) VCF-style: chr15-38805021-C-T.
Other names: c.812G>A, p.Arg271Gln (NM_001128602.2, NM_001306086.2); short protein forms R271Q.
Identifiers: ClinVar variation 1956594 (VCV001956594.5), dbSNP rs200520227, ClinGen allele CA268692777.